The following is an entry in ClinVar:

ClinVar aggregate classification (germline): Likely benign. Review status: criteria provided, multiple submitters, no conflicts (2 of 4 stars). 3 submissions from 3 submitters: Likely benign (3). Last evaluated 2026-01-30.

Conditions:
Cardiovascular phenotype. Identifiers: MedGen CN230736.

Allele frequency attached by ClinVar (database versions not stated): gnomAD 0.00001; TOPMed 0.00001.
gnomAD v4.1: 1 of 1,612,946 alleles (0.000062%); highest among the groups gnomAD compares: African/African-American, 0.0013%; no homozygotes.

Submissions (3):

Ambry Genetics
Classification: Likely benign for Cardiovascular phenotype. Last evaluated: 2026-01-30. Review status: criteria provided, single submitter. Criteria: Ambry Variant Classification Scheme 2023. Collection method: clinical testing. Allele origin: germline.

Women's Health and Genetics/Laboratory Corporation of America, LabCorp
Classification: Likely benign. Last evaluated: 2019-08-28. Review status: criteria provided, single submitter. Criteria: LabCorp Variant Classification Summary - May 2015. Collection method: clinical testing. Allele origin: germline.

GeneDx
Classification: Likely benign. Last evaluated: 2017-08-18. Review status: criteria provided, single submitter. Criteria: GeneDx Variant Classification (06012015). Collection method: clinical testing. Allele origin: germline. Affected: yes.
Comment: This variant is considered likely benign or benign based on one or more of the following criteria: it is a conservative change, it occurs at a poorly conserved position in the protein, it is predicted to be benign by multiple in silico algorithms, and/or has population frequency not consistent with disease.

NM_007078.3(LDB3):c.81C>G (p.Leu27=)

Gene: LDB3 (LIM domain binding 3; plus strand). Cytogenetic location: 10q23.2.
Variant type: single nucleotide variant.
Coding change: c.81C>G on transcript NM_007078.3 (MANE Select); coding-DNA position 81, C replaced by G.
Protein change: p.Leu27=; no amino-acid change (leucine 27 retained).
Molecular consequence: synonymous variant.
Genome position (GRCh38, 1-based): chr10:86,668,772, C>G. VCF-style: chr10-86668772-C-G. GRCh37 (hg19) VCF-style: chr10-88428529-C-G.
Other names: c.81C>G, p.Leu27= (NM_001080114.2, NM_001080115.2, NM_001080116.1 and 8 more transcripts).
Identifiers: ClinVar variation 496340 (VCV000496340.3), dbSNP rs1554844351, ClinGen allele CA470310836.
Genomic context (GRCh38, chr10:86,668,772, plus strand): 5'-GACTGGGCCCGGGCCCTGGGGCTTCCGTCTGCAGGGGGGCAAGGACTTCAACATGCCCCT[C>G]ACTATCTCCCGGGTGAGTGCACCCTGCCACAGCCTGGCACCCGATGGGGCAGGCACGCTT-3'
Protein context (NP_009009.1, residues 17-37): LQGGKDFNMP[Leu27=]TISRITPGSK